The following is an entry in ClinVar:

ClinVar aggregate classification (germline): Uncertain significance. Review status: criteria provided, multiple submitters, no conflicts (2 of 4 stars). 2 submissions from 2 submitters: Uncertain significance (2). Last evaluated 2024-07-11.

Conditions:
Endometrial carcinoma. Also called: Endometrial carcinoma, somatic. Identifiers: MedGen C0476089, MONDO:0002447, OMIM 608089, HP:0012114.

Submissions (2):

Labcorp Genetics (formerly Invitae), Labcorp
Classification: Uncertain significance. Last evaluated: 2024-07-11. Review status: criteria provided, single submitter. Criteria: Invitae Variant Classification Sherloc (09022015). Collection method: clinical testing. Allele origin: germline.
Comment: This sequence change replaces lysine, which is basic and polar, with arginine, which is basic and polar, at codon 240 of the MSH3 protein (p.Lys240Arg). This variant is not present in population databases (gnomAD no frequency). This variant has not been reported in the literature in individuals affected with MSH3-related conditions. An algorithm developed to predict the effect of missense changes on protein structure and function (PolyPhen-2) suggests that this variant is likely to be disruptive. In summary, the available evidence is currently insufficient to determine the role of this variant in disease. Therefore, it has been classified as a Variant of Uncertain Significance.

Baylor Genetics
Classification: Uncertain significance for Endometrial carcinoma. Last evaluated: 2023-08-07. Review status: criteria provided, single submitter. Criteria: ACMG Guidelines, 2015. Collection method: clinical testing. Allele origin: unknown.

NM_002439.5(MSH3):c.719A>G (p.Lys240Arg)

Gene: MSH3 (mutS homolog 3; plus strand). Cytogenetic location: 5q14.1.
Variant type: single nucleotide variant.
Coding change: c.719A>G on transcript NM_002439.5 (MANE Select); coding-DNA position 719, A replaced by G.
Protein change: p.Lys240Arg; replaces lysine 240 with arginine.
Molecular consequence: missense variant.
Genome position (GRCh38, 1-based): chr5:80,670,236, A>G. VCF-style: chr5-80670236-A-G. GRCh37 (hg19) VCF-style: chr5-79966055-A-G.
Other names: short protein forms K240R.
Identifiers: ClinVar variation 2676755 (VCV002676755.3), dbSNP rs2546721185, ClinGen allele CA360266866.